The following is an entry in ClinVar:

NM_018972.4(GDAP1):c.175C>T (p.Pro59Ser)

Gene: GDAP1 (ganglioside induced differentiation associated protein 1; plus strand). Cytogenetic location: 8q21.11.
Variant type: single nucleotide variant.
Coding change: c.175C>T on transcript NM_018972.4 (MANE Select); coding-DNA position 175, C replaced by T.
Protein change: p.Pro59Ser; replaces proline 59 with serine.
Molecular consequence: missense variant. On other transcripts: 5 prime UTR variant (1), intron variant (2).
Genome position (GRCh38, 1-based): chr8:74,351,331, C>T. VCF-style: chr8-74351331-C-T. GRCh37 (hg19) VCF-style: chr8-75263566-C-T.
Other names: c.-30C>T (NM_001040875.4); c.175C>T, p.Pro59Ser (NM_001362930.2, NM_001362931.2); c.-18+10C>T (NM_001362929.2); c.-18+753C>T (NM_001362932.2); short protein forms P59S.
Identifiers: ClinVar variation 3669785 (VCV003669785.2).

ClinVar aggregate classification (germline): Uncertain significance (1 of 4 stars; one submission).

Conditions:
Charcot-Marie-Tooth disease type 4A. Also called: Charcot-Marie-Tooth disease, demyelinating, autosomal recessive, type 4a. Identifiers: Orphanet 99948, MedGen C1859198, MONDO:0008961, OMIM 214400.

gnomAD v4.1: 5 of 1,613,928 alleles (0.00031%); highest among the groups gnomAD compares: East Asian, 0.0022%; no homozygotes.

Submission:

Labcorp Genetics (formerly Invitae), Labcorp
Classification: Uncertain significance for Charcot-Marie-Tooth disease type 4A. Last evaluated: 2024-10-23. Review status: criteria provided, single submitter. Criteria: Invitae Variant Classification Sherloc (09022015). Collection method: clinical testing. Allele origin: germline.
Comment: This sequence change replaces proline, which is neutral and non-polar, with serine, which is neutral and polar, at codon 59 of the GDAP1 protein (p.Pro59Ser). This variant is present in population databases (no rsID available, gnomAD 0.006%). This variant has not been reported in the literature in individuals affected with GDAP1-related conditions. Invitae Evidence Modeling of protein sequence and biophysical properties (such as structural, functional, and spatial information, amino acid conservation, physicochemical variation, residue mobility, and thermodynamic stability) indicates that this missense variant is not expected to disrupt GDAP1 protein function with a negative predictive value of 80%. In summary, the available evidence is currently insufficient to determine the role of this variant in disease. Therefore, it has been classified as a Variant of Uncertain Significance.